The following is an entry in ClinVar:

ClinVar aggregate classification (germline): Uncertain significance. Review status: criteria provided, multiple submitters, no conflicts (2 of 4 stars). 3 submissions from 3 submitters: Uncertain significance (3). Last evaluated 2022-08-05.

Conditions:
Emery-Dreifuss muscular dystrophy 4, autosomal dominant (EDMD4). Also called: EMERY-DREIFUSS MUSCULAR DYSTROPHY 4 WITH VARIABLE FEATURES. Identifiers: Orphanet 261, MedGen C2751807, MONDO:0013071, OMIM 612998.
Autosomal recessive ataxia, Beauce type. Also called: SYNE1-Related Autosomal Recessive Cerebellar Ataxia; Spinocerebellar ataxia, autosomal recessive 8; ATAXIA, RECESSIVE, OF BEAUCE; SYNE1 Deficiency. Identifiers: Orphanet 88644, MedGen C1853116, MONDO:0012549, OMIM 610743.

Allele frequency attached by ClinVar (database versions not stated): gnomAD 0.00001; TOPMed 0.00001; gnomAD exomes 0.00002; ExAC 0.00003.
gnomAD v4.1: 32 of 1,613,842 alleles (0.002%); highest among the groups gnomAD compares: Admixed American, 0.0033%; no homozygotes.

Submissions (3):

Labcorp Genetics (formerly Invitae), Labcorp
Classification: Uncertain significance for Emery-Dreifuss muscular dystrophy 4, autosomal dominant; Autosomal recessive ataxia, Beauce type. Last evaluated: 2022-08-05. Review status: criteria provided, single submitter. Criteria: Invitae Variant Classification Sherloc (09022015). Collection method: clinical testing. Allele origin: germline.
Comment: This sequence change replaces threonine, which is neutral and polar, with serine, which is neutral and polar, at codon 5242 of the SYNE1 protein (p.Thr5242Ser). This variant is present in population databases (rs779313924, gnomAD 0.006%). This variant has not been reported in the literature in individuals affected with SYNE1-related conditions. ClinVar contains an entry for this variant (Variation ID: 497236). Algorithms developed to predict the effect of missense changes on protein structure and function output the following: SIFT: "Tolerated"; PolyPhen-2: "Benign"; Align-GVGD: "Class C0". The serine amino acid residue is found in multiple mammalian species, which suggests that this missense change does not adversely affect protein function. In summary, the available evidence is currently insufficient to determine the role of this variant in disease. Therefore, it has been classified as a Variant of Uncertain Significance.

GeneDx
Classification: Uncertain significance. Last evaluated: 2019-06-13. Review status: criteria provided, single submitter. Criteria: GeneDx Variant Classification Process June 2021. Collection method: clinical testing. Allele origin: germline. Affected: yes.
Comment: In silico analysis, which includes protein predictors and evolutionary conservation, supports that this variant does not alter protein structure/function; Has not been previously published as pathogenic or benign to our knowledge

Eurofins Ntd Llc (ga)
Classification: Uncertain significance. Last evaluated: 2016-09-29. Review status: criteria provided, single submitter. Criteria: EGL Classification Definitions 2015. Collection method: clinical testing. Allele origin: germline. Observed: 1 variant allele, 1 heterozygote.

NM_182961.4(SYNE1):c.15938C>G (p.Thr5313Ser)

Gene: SYNE1 (spectrin repeat containing nuclear envelope protein 1; minus strand). Cytogenetic location: 6q25.2.
Variant type: single nucleotide variant.
Coding change: c.15938C>G on transcript NM_182961.4 (MANE Select); coding-DNA position 15938, C replaced by G.
Protein change: p.Thr5313Ser; replaces threonine 5313 with serine.
Molecular consequence: missense variant.
Genome position (GRCh38, 1-based): chr6:152,321,866, G>C on the plus strand (C>G on the coding strand, the complement: SYNE1 is on the minus strand). VCF-style: chr6-152321866-G-C. GRCh37 (hg19) VCF-style: chr6-152643001-G-C.
Other names: c.15725C>G, p.Thr5242Ser (NM_033071.5); short protein forms T5242S, T5313S.
Identifiers: ClinVar variation 497236 (VCV000497236.11), dbSNP rs779313924, ClinGen allele CA4055642.